The following is an entry in ClinVar:

ClinVar aggregate classification (germline): Uncertain significance. Review status: criteria provided, multiple submitters, no conflicts (2 of 4 stars). 2 submissions from 2 submitters: Uncertain significance (2). Last evaluated 2024-12-13.

Conditions:
Inborn genetic diseases. Identifiers: MedGen C0950123, MeSH D030342.

Submissions (2):

GeneDx
Classification: Uncertain significance. Last evaluated: 2024-12-13. Review status: criteria provided, single submitter. Criteria: GeneDx Variant Classification Process June 2021. Collection method: clinical testing. Allele origin: germline. Affected: yes.
Comment: In-frame deletion of 1 amino acid in a non-repeat region; In silico analysis indicates that this variant does not alter protein structure/function; Has not been previously published as pathogenic or benign to our knowledge

Ambry Genetics
Classification: Uncertain significance for Inborn genetic diseases. Last evaluated: 2022-05-02. Review status: criteria provided, single submitter. Criteria: Ambry Variant Classification Scheme 2023. Collection method: clinical testing. Allele origin: germline.
Comment: The c.281_283delACG (p.D94del) alteration is located in exon 1 (coding exon 1) of the SDHAF1 gene. This alteration consists of an in-frame deletion of 3 nucleotides between nucleotide positions c.281 and c.283, resulting in the deletion of 1 residue. Based on insufficient or conflicting evidence, the clinical significance of this alteration remains unclear.

NM_001042631.3(SDHAF1):c.278ACG[1] (p.Asp94del)

Genes: SDHAF1 (succinate dehydrogenase complex assembly factor 1; plus strand), LOC130064281 (ATAC-STARR-seq lymphoblastoid silent region 10546; plus strand). Cytogenetic location: 19q13.12.
Variant type: Microsatellite.
Coding change: c.278ACG[1] on transcript NM_001042631.3 (MANE Select); one copy of the 3-base unit ACG starting at c.278; the reference has two copies in a row; one copy, 3 bases deleted; also written c.281_283del.
Protein change: p.Asp94del; deletes aspartic acid 94.
Molecular consequence: inframe deletion.
Genome position (GRCh38, 1-based): chr19:35,995,555-35,995,557, ACG deleted; deleting any 3 consecutive bases within chr19:35,995,551-35,995,557 gives the same sequence; the position shown is the placement nearest the transcript's 3' end. VCF-style (leftmost placement, unchanged base first): chr19-35995550-TGAC-T. GRCh37 (hg19) VCF-style: chr19-36486452-TGAC-T.
Other names: c.281_283delACG (NM_001042631.2); c.281_283del (NM_001042631.2); short protein forms D94del.
Identifiers: ClinVar variation 2391065 (VCV002391065.3), dbSNP rs1173525097, ClinGen allele CA633061906.
Genomic context (GRCh38, chr19:35,995,550, plus strand): 5'-GGGCGCCTTCGTACGCCCGCGGGCCCCGACCGGGGAGCCTGGCGGCGTGGGTTGCCAGCC[TGAC>T]GACGGCGACAGTCCAAGGAACCCCCACGACAGCACGGGGGCACCGGAGACCCGCCCCGAC-3'